The following is an entry in ClinVar:

NM_005445.4(SMC3):c.2268+20del

Gene: SMC3 (structural maintenance of chromosomes 3; plus strand). Cytogenetic location: 10q25.2.
Variant type: Deletion.
Coding change: c.2268+20del on transcript NM_005445.4 (MANE Select); 20 bases into the intron after coding-DNA position 2268, one base deleted (G; older notation c.2268+20delG).
Molecular consequence: intron variant.
Genome position (GRCh38, 1-based): chr10:110,598,310, G deleted; the last of 2 consecutive G bases (chr10:110,598,309-110,598,310); deleting either gives the same sequence. VCF-style (leftmost placement, unchanged base first): chr10-110598308-TG-T. GRCh37 (hg19) VCF-style: chr10-112358066-TG-T.
Other names: c.2268+20delG (NM_005445.4).
Identifiers: ClinVar variation 3251264 (VCV003251264.1), dbSNP rs2493141562.
Genomic context (GRCh38, chr10:110,598,308, plus strand): 5'-AAAAGAGAAGAGGCAGCAGTCAGAGAAAACCTTCATGCCTAAGGTTCGTAAGTATATCTT[TG>T]GTTATAGATCGATTGTTACAGATTAATAATATGGAAATATGAATCATACATTATATGGGT-3'

ClinVar aggregate classification (germline): Likely benign (1 of 4 stars; one submission).

Submission:

Women's Health and Genetics/Laboratory Corporation of America, LabCorp
Classification: Likely benign. Last evaluated: 2024-04-16. Review status: criteria provided, single submitter. Criteria: LabCorp Variant Classification Summary - May 2015. Collection method: clinical testing. Allele origin: germline.
Comment: Variant summary: SMC3 c.2268+20delG alters a non-conserved nucleotide located at a position not widely known to affect splicing. Consensus agreement among computation tools predict no significant impact on normal splicing. However, these predictions have yet to be confirmed by functional studies. The frequency data for this variant in gnomAD is considered unreliable, as metrics indicate poor data quality at this position. To our knowledge, no occurrence of c.2268+20delG in individuals affected with Cornelia De Lange Syndrome 3 and no experimental evidence demonstrating its impact on protein function have been reported. No submitters have cited clinical-significance assessments for this variant to ClinVar. Based on the evidence outlined above, the variant was classified as likely benign.